The following is an entry in ClinVar:

ClinVar aggregate classification (germline): Benign. Review status: criteria provided, multiple submitters, no conflicts (2 of 4 stars). 3 submissions from 3 submitters: Benign (3). Last evaluated 2018-06-18.

Allele frequency attached by ClinVar (database versions not stated): 1000 Genomes Project 0.04073; 1000 Genomes Project 30x 0.04201; TOPMed 0.06047; ExAC 0.06051; gnomAD exomes 0.04934 and 0.04515; gnomAD 0.05997 and 0.06306; ESP Exome Variant Server 0.06345.
gnomAD v4.1: 74,782 of 1,484,206 alleles (5%); highest among the groups gnomAD compares: African/African-American, 9.3%; 2,139 homozygotes.

Submissions (3):

GeneDx
Classification: Benign. Last evaluated: 2018-06-18. Review status: criteria provided, single submitter. Criteria: GeneDx Variant Classification (06012015). Collection method: clinical testing. Allele origin: germline. Affected: yes.
Comment: This variant is considered likely benign or benign based on one or more of the following criteria: it is a conservative change, it occurs at a poorly conserved position in the protein, it is predicted to be benign by multiple in silico algorithms, and/or has population frequency not consistent with disease.

Breakthrough Genomics
Classification: Benign. Review status: criteria provided, single submitter. Criteria: ACMG Guidelines, 2015. Collection method: not provided. Allele origin: germline. Inheritance: Autosomal dominant inheritance. Affected: yes.

PreventionGenetics, part of Exact Sciences
Classification: Benign. Review status: criteria provided, single submitter. Criteria: ACMG Guidelines, 2015. Collection method: clinical testing. Allele origin: germline.

NM_001035.3(RYR2):c.8209-29A>C

Gene: RYR2 (ryanodine receptor 2; plus strand). Cytogenetic location: 1q43.
Variant type: single nucleotide variant.
Coding change: c.8209-29A>C on transcript NM_001035.3 (MANE Select); 29 bases into the intron before coding-DNA position 8209, A replaced by C.
Molecular consequence: intron variant.
Genome position (GRCh38, 1-based): chr1:237,659,956, A>C. VCF-style: chr1-237659956-A-C. GRCh37 (hg19) VCF-style: chr1-237823256-A-C.
Other names: c.8209-29A>C (LRG_402t1).
Identifiers: ClinVar variation 257218 (VCV000257218.3), dbSNP rs10925485, ClinGen allele CA087588.